The following is an entry in ClinVar:

NM_004519.4(KCNQ3):c.*2007_*2009dup

Gene: KCNQ3 (potassium voltage-gated channel subfamily Q member 3; minus strand). Cytogenetic location: 8q24.22.
Variant type: Duplication.
Coding change: c.*2007_*2009dup on transcript NM_004519.4 (MANE Select); 2007 bases downstream of the stop codon through 2009 bases downstream of the stop codon, 3 bases duplicated (ATA; older notation c.*2007_*2009dupATA).
Molecular consequence: 3 prime UTR variant.
Genome position (GRCh38, 1-based): chr8:132,127,253-132,127,255, TAT duplicated on the plus strand (ATA on the coding strand, the reverse complement: KCNQ3 is on the minus strand); duplicating any 3 consecutive bases within chr8:132,127,253-132,127,256 gives the same sequence; the c. name uses the placement nearest the transcript's 3' end. VCF-style (leftmost placement, unchanged base first): chr8-132127252-A-ATAT. GRCh37 (hg19) VCF-style: chr8-133139499-A-ATAT.
Other names: c.*2007_*2009dup (NM_001204824.2).
Identifiers: ClinVar variation 2658821 (VCV002658821.24), dbSNP rs564175319, ClinGen allele CA185429851.

ClinVar aggregate classification (germline): Benign (1 of 4 stars; one submission).

Submission:

CeGaT Center for Human Genetics Tuebingen
Classification: Benign. Last evaluated: 2022-08-01. Review status: criteria provided, single submitter. Criteria: CeGaT Center For Human Genetics Tuebingen Variant Classification Criteria Version 2. Collection method: clinical testing. Allele origin: germline. Affected: yes. Observed: 1 variant allele.
Comment: KCNQ3: BS1, BS2